The following is an entry in ClinVar:

ClinVar aggregate classification (germline): Uncertain significance (1 of 4 stars; one submission).

Submission:

Labcorp Genetics (formerly Invitae), Labcorp
Classification: Uncertain significance. Last evaluated: 2022-08-16. Review status: criteria provided, single submitter. Criteria: Invitae Variant Classification Sherloc (09022015). Collection method: clinical testing. Allele origin: germline.
Comment: In summary, the available evidence is currently insufficient to determine the role of this variant in disease. Therefore, it has been classified as a Variant of Uncertain Significance. Experimental studies and prediction algorithms are not available or were not evaluated, and the functional significance of this variant is currently unknown. This variant has not been reported in the literature in individuals affected with SZT2-related conditions. This variant results in a copy number gain of the genomic region encompassing exon(s) 5-71 of the SZT2 gene. This region includes the termination codon of the gene. This copy number gain extends beyond the assayed region for this gene and therefore may encompass additional genes. As the precise location of this event is unknown, it may be in tandem or it may be located elsewhere in the genome.

NC_000001.10:g.(?_43880733)_(43916151_?)dup

Gene: SZT2 (SZT2 subunit of KICSTOR complex; plus strand). Cytogenetic location: 1p34.2.
Variant type: Duplication.
Identifiers: ClinVar variation 2426127 (VCV002426127.4).